The following is an entry in ClinVar:

ClinVar aggregate classification (germline): Likely benign. Review status: criteria provided, multiple submitters, no conflicts (2 of 4 stars). 2 submissions from 2 submitters: Likely benign (2). Last evaluated 2025-12-11.

Conditions:
Familial infantile myasthenia (CMS6). Also called: MYASTHENIC SYNDROME, PRESYNAPTIC, CONGENITAL, ASSOCIATED WITH EPISODIC APNEA; Congenital myasthenic syndrome type 6; MYASTHENIC SYNDROME, CONGENITAL, 6, PRESYNAPTIC. Identifiers: Orphanet 590, MedGen C0393929, MONDO:0009689, OMIM 254210.

Allele frequency attached by ClinVar (database versions not stated): TOPMed 0.00002; gnomAD 0.00003 and 0.00011; gnomAD exomes 0.00006 and 0.00026; ExAC 0.00009; 1000 Genomes Project 30x 0.00094; 1000 Genomes Project 0.00120.
gnomAD v4.1: 386 of 1,614,250 alleles (0.024%); highest among the groups gnomAD compares: East Asian, 0.85%; 4 homozygotes.

Submissions (2):

Labcorp Genetics (formerly Invitae), Labcorp
Classification: Likely benign for Familial infantile myasthenia. Last evaluated: 2025-12-11. Review status: criteria provided, single submitter. Criteria: Invitae Variant Classification Sherloc (09022015). Collection method: clinical testing. Allele origin: germline.

Mayo Clinic Laboratories, Mayo Clinic
Classification: Likely benign. Last evaluated: 2025-04-15. Review status: criteria provided, single submitter. Criteria: ACMG Guidelines, 2015. Collection method: clinical testing. Allele origin: germline. Observed: 1 variant allele.
Comment: BS1, BP4_moderate

NM_020549.5(CHAT):c.2183C>T (p.Thr728Ile)

Gene: CHAT (choline O-acetyltransferase; plus strand). Cytogenetic location: 10q11.23.
Variant type: single nucleotide variant.
Coding change: c.2183C>T on transcript NM_020549.5 (MANE Select); coding-DNA position 2183, C replaced by T.
Protein change: p.Thr728Ile; replaces threonine 728 with isoleucine.
Molecular consequence: missense variant.
Genome position (GRCh38, 1-based): chr10:49,664,982, C>T. VCF-style: chr10-49664982-C-T. GRCh37 (hg19) VCF-style: chr10-50873028-C-T.
Other names: p.Thr728Ile; c.1829C>T, p.Thr610Ile (NM_001142929.2, NM_001142934.2, NM_020984.4 and 2 more transcripts); c.1937C>T, p.Thr646Ile (NM_001142933.2); short protein forms T728I, T610I, T646I.
Identifiers: ClinVar variation 574509 (VCV000574509.11), dbSNP rs74334349, ClinGen allele CA5497729.